The following is an entry in ClinVar:

ClinVar aggregate classification (germline): Pathogenic (1 of 4 stars; one submission).

Conditions:
Telangiectasia, hereditary hemorrhagic, type 2 (HHT2). Also called: ACVRL1-Related Hereditary Hemorrhagic Telangiectasia; Telangiectasia, hereditary hemorrhagic, type II. Identifiers: Orphanet 774, MedGen C1838163, MONDO:0010880, OMIM 600376. Disease mechanism: loss of function.

gnomAD v4.1: 1 of 1,591,238 alleles (0.000063%); no homozygotes.

Submission:

Labcorp Genetics (formerly Invitae), Labcorp
Classification: Pathogenic for Telangiectasia, hereditary hemorrhagic, type 2. Last evaluated: 2022-04-22. Review status: criteria provided, single submitter. Criteria: Invitae Variant Classification Sherloc (09022015). Collection method: clinical testing. Allele origin: germline.
Comment: This variant is not present in population databases (gnomAD no frequency). For these reasons, this variant has been classified as Pathogenic. This variant disrupts the p.Cys69 amino acid residue in ACVRL1. Other variant(s) that disrupt this residue have been observed in individuals with ACVRL1-related conditions (PMID: 16525724, 21158752), which suggests that this may be a clinically significant amino acid residue. This variant affects a cysteine residue located within the ACVRL1 protein ectodomain. Cysteine residues in this domain of ACVRL1 are involved in the formation of disulfide bridges critical for protein structure and stability (PMID: 22028876, 22718755, 22799562). In addition, missense substitutions within the ACVRL1 ectodomain affecting cysteine residues are overrepresented in patients with HHT (PMID: 20501893, 26176610 and an online resource). Algorithms developed to predict the effect of missense changes on protein structure and function (SIFT, PolyPhen-2, Align-GVGD) all suggest that this variant is likely to be disruptive. ClinVar contains an entry for this variant (Variation ID: 935121). This missense change has been observed in individuals with hereditary hemorrhagic telangiectasia (PMID: 16705692; Invitae). This sequence change replaces cysteine, which is neutral and slightly polar, with tyrosine, which is neutral and polar, at codon 69 of the ACVRL1 protein (p.Cys69Tyr).

Literature cited by the submitters: PubMed 16525724; PubMed 21158752; PubMed 22028876; PubMed 22718755; PubMed 22799562; PubMed 20501893; PubMed 26176610; PubMed 16705692.

NM_000020.3(ACVRL1):c.206G>A (p.Cys69Tyr)

Gene: ACVRL1 (activin A receptor like type 1; plus strand). Cytogenetic location: 12q13.13.
Variant type: single nucleotide variant.
Coding change: c.206G>A on transcript NM_000020.3 (MANE Select); coding-DNA position 206, G replaced by A.
Protein change: p.Cys69Tyr; replaces cysteine 69 with tyrosine.
Molecular consequence: missense variant.
Genome position (GRCh38, 1-based): chr12:51,913,243, G>A. VCF-style: chr12-51913243-G-A. GRCh37 (hg19) VCF-style: chr12-52307027-G-A.
Other names: c.206G>A, p.Cys69Tyr (NM_001077401.2); short protein forms C69Y.
Identifiers: ClinVar variation 935121 (VCV000935121.7), dbSNP rs1318118188, ClinGen allele CA384897898.